The following is an entry in ClinVar:

NM_000096.4(CP):c.41G>A (p.Ser14Asn)

Gene: CP (ceruloplasmin; minus strand). Cytogenetic location: 3q25.1.
Variant type: single nucleotide variant.
Coding change: c.41G>A on transcript NM_000096.4 (MANE Select); coding-DNA position 41, G replaced by A.
Protein change: p.Ser14Asn; replaces serine 14 with asparagine.
Molecular consequence: missense variant. On other transcripts: non-coding transcript variant (1).
Genome position (GRCh38, 1-based): chr3:149,221,752, C>T on the plus strand (G>A on the coding strand, the complement: CP is on the minus strand). VCF-style: chr3-149221752-C-T. GRCh37 (hg19) VCF-style: chr3-148939539-C-T.
Other names: short protein forms S14N.
Identifiers: ClinVar variation 1420631 (VCV001420631.6), dbSNP rs892697970, ClinGen allele CA85551970.

ClinVar aggregate classification (germline): Uncertain significance (1 of 4 stars; one submission).

Conditions:
Deficiency of ferroxidase (ACEP). Also called: Aceruloplasminemia; Ceruloplasmin deficiency; Familial apoceruloplasmin deficiency; Hereditary ceruloplasmin deficiency; NEURODEGENERATION WITH BRAIN IRON ACCUMULATION 10; Deficiency of ceruloplasmin. Identifiers: Orphanet 48818, MedGen C0878682, MONDO:0011426, OMIM 604290, HP:0025498.

Allele frequency attached by ClinVar (database versions not stated): gnomAD 0.00001; gnomAD exomes 0.00001 and 0.00002; TOPMed 0.00001.

Submission:

Labcorp Genetics (formerly Invitae), Labcorp
Classification: Uncertain significance for Deficiency of ferroxidase. Last evaluated: 2022-08-15. Review status: criteria provided, single submitter. Criteria: Invitae Variant Classification Sherloc (09022015). Collection method: clinical testing. Allele origin: germline.
Comment: In summary, the available evidence is currently insufficient to determine the role of this variant in disease. Therefore, it has been classified as a Variant of Uncertain Significance. Algorithms developed to predict the effect of missense changes on protein structure and function output the following: SIFT: "Tolerated"; PolyPhen-2: "Benign"; Align-GVGD: "Class C0". The asparagine amino acid residue is found in multiple mammalian species, which suggests that this missense change does not adversely affect protein function. ClinVar contains an entry for this variant (Variation ID: 1420631). This variant has not been reported in the literature in individuals affected with CP-related conditions. This variant is present in population databases (no rsID available, gnomAD 0.004%). This sequence change replaces serine, which is neutral and polar, with asparagine, which is neutral and polar, at codon 14 of the CP protein (p.Ser14Asn).